The following is an entry in ClinVar:

ClinVar aggregate classification (germline): Uncertain significance (1 of 4 stars; one submission).

gnomAD v4.1: 1 of 1,614,082 alleles (0.000062%); highest among the groups gnomAD compares: Non-Finnish European, 0.000085%; no homozygotes.

Submission:

Ambry Genetics
Classification: Uncertain significance. Last evaluated: 2025-12-28. Review status: criteria provided, single submitter. Criteria: Ambry Variant Classification Scheme 2023. Collection method: clinical testing. Allele origin: germline.
Comment: The p.E885K variant (also known as c.2653G>A), located in coding exon 1 of the TET2 gene, results from a G to A substitution at nucleotide position 2653. The glutamic acid at codon 885 is replaced by lysine, an amino acid with similar properties. This amino acid position is conserved. In addition, this alteration is predicted to be tolerated by in silico analysis. Based on the available evidence, the clinical significance of this variant remains unclear.

NM_001127208.3(TET2):c.2653G>A (p.Glu885Lys)

Genes: TET2 (tet methylcytosine dioxygenase 2; plus strand), TET2-AS1 (TET2 antisense RNA 1; minus strand). Cytogenetic location: 4q24.
Variant type: single nucleotide variant.
Coding change: c.2653G>A on transcript NM_001127208.3 (MANE Select); coding-DNA position 2653, G replaced by A.
Protein change: p.Glu885Lys; replaces glutamic acid 885 with lysine.
Molecular consequence: missense variant.
Genome position (GRCh38, 1-based): chr4:105,236,595, G>A. VCF-style: chr4-105236595-G-A. GRCh37 (hg19) VCF-style: chr4-106157752-G-A.
Other names: c.2653G>A, p.Glu885Lys (NM_017628.4); short protein forms E885K.
Identifiers: ClinVar variation 4843496 (VCV004843496.1).